The following is an entry in ClinVar:

ClinVar aggregate classification (germline): Uncertain significance. Review status: criteria provided, multiple submitters, no conflicts (2 of 4 stars). 2 submissions from 2 submitters: Uncertain significance (2). Last evaluated 2025-11-03.

Conditions:
Immunodeficiency 14 (IMD14A). Also called: ACTIVATED PI3K-DELTA SYNDROME 1; Activated PI3K Delta Syndrome Type 1 (APDS1); p110-DELTA-ACTIVATING MUTATION CAUSING SENESCENT T CELLS, LYMPHADENOPATHY, AND IMMUNODEFICIENCY; IMMUNODEFICIENCY 14A WITH LYMPHOPROLIFERATION, AUTOSOMAL DOMINANT. Identifiers: Orphanet 397596, Orphanet 693661, MedGen C5907821, MONDO:0014222, OMIM 615513.

Allele frequency attached by ClinVar (database versions not stated): gnomAD exomes below 0.00001; TOPMed below 0.00001; ExAC 0.00001.
gnomAD v4.1: 4 of 1,613,974 alleles (0.00025%); highest among the groups gnomAD compares: Non-Finnish European, 0.00025%; no homozygotes.

Submissions (2):

Labcorp Genetics (formerly Invitae), Labcorp
Classification: Uncertain significance for Activated PI3K-delta syndrome. Last evaluated: 2025-11-03. Review status: criteria provided, single submitter. Criteria: Invitae Variant Classification Sherloc (09022015). Collection method: clinical testing. Allele origin: germline.
Comment: This sequence change replaces glycine, which is neutral and non-polar, with arginine, which is basic and polar, at codon 971 of the PIK3CD protein (p.Gly971Arg). This variant is present in population databases (rs750392184, gnomAD 0.0009%). This variant has not been reported in the literature in individuals affected with PIK3CD-related conditions. ClinVar contains an entry for this variant (Variation ID: 1337907). Invitae Evidence Modeling of protein sequence and biophysical properties (such as structural, functional, and spatial information, amino acid conservation, physicochemical variation, residue mobility, and thermodynamic stability) indicates that this missense variant is not expected to disrupt PIK3CD protein function with a negative predictive value of 80%. In summary, the available evidence is currently insufficient to determine the role of this variant in disease. Therefore, it has been classified as a Variant of Uncertain Significance.

Genetic Services Laboratory, University of Chicago
Classification: Uncertain significance. Last evaluated: 2021-04-28. Review status: criteria provided, single submitter. Criteria: ACMG Guidelines, 2015. Collection method: clinical testing. Allele origin: germline. Affected: no.
Comment: DNA sequence analysis of the PIK3CD gene demonstrated a sequence change, c.2911G>A, in exon 23 that results in an amino acid change, p.Gly971Arg. This sequence change has been described in gnomAD with a low frequency of 0.0009% in the Non-Finnish sub-population (dbSNP rs750392184). The p.Gly971Arg change affects a highly conserved amino acid residue located in a domain of the PIK3CD protein that is known to be functional. The p.Gly971Arg substitution appears to be deleterious using several in-silico pathogenicity prediction tools (SIFT, PolyPhen2, Align GVGD, REVEL). This sequence change does not appear to have been previously described in patients with PIK3CD-related. Due to the lack of sufficient evidences, the clinical significance of the p.Gly971Arg change remains unknown at this time.

NM_005026.5(PIK3CD):c.2911G>A (p.Gly971Arg)

Gene: PIK3CD (phosphatidylinositol-4,5-bisphosphate 3-kinase catalytic subunit delta; plus strand). Cytogenetic location: 1p36.22.
Variant type: single nucleotide variant.
Coding change: c.2911G>A on transcript NM_005026.5 (MANE Select); coding-DNA position 2911, G replaced by A.
Protein change: p.Gly971Arg; replaces glycine 971 with arginine.
Molecular consequence: missense variant.
Genome position (GRCh38, 1-based): chr1:9,724,850, G>A. VCF-style: chr1-9724850-G-A. GRCh37 (hg19) VCF-style: chr1-9784908-G-A.
Other names: c.2908G>A, p.Gly970Arg (NM_001350234.2); c.2824G>A, p.Gly942Arg (NM_001350235.1); short protein forms G942R, G970R, G971R.
Identifiers: ClinVar variation 1337907 (VCV001337907.6), dbSNP rs750392184, ClinGen allele CA577680.